The following is an entry in ClinVar:

NM_000257.4(MYH7):c.1710_1711insAGGAA (p.Gly571fs)

Gene: MYH7 (myosin heavy chain 7; minus strand). Cytogenetic location: 14q11.2.
Variant type: Insertion.
Coding change: c.1710_1711insAGGAA on transcript NM_000257.4 (MANE Select); coding-DNA positions 1710 to 1711, AGGAA inserted.
Protein change: p.Gly571fs; shifts the reading frame from glycine 571.
Molecular consequence: frameshift variant.
Genome position: GRCh38 VCF-style: chr14-23427762-C-CTTCCT. GRCh37 (hg19) VCF-style: chr14-23896971-C-CTTCCT.
Other names: c.1710_1711insAGGAA, p.Gly571fs (NM_001407004.1); short protein forms G571fs.
Identifiers: ClinVar variation 4735415 (VCV004735415.1).

ClinVar aggregate classification (germline): Uncertain significance (1 of 4 stars; one submission).

Conditions:
Hypertrophic cardiomyopathy. Also called: HYPERTROPHIC MYOCARDIOPATHY. Identifiers: Orphanet 217569, MedGen C0007194, MeSH D002312, MONDO:0005045, HP:0001639.

Submission:

Labcorp Genetics (formerly Invitae), Labcorp
Classification: Uncertain significance for Hypertrophic cardiomyopathy. Last evaluated: 2026-01-14. Review status: criteria provided, single submitter. Criteria: Invitae Variant Classification Sherloc (09022015). Collection method: clinical testing. Allele origin: germline.
Comment: This sequence change creates a premature translational stop signal (p.Gly571Argfs*11) in the MYH7 gene. It is expected to result in an absent or disrupted protein product. However, the current clinical and genetic evidence is not sufficient to establish whether loss-of-function variants in MYH7 cause disease. This variant is not present in population databases (gnomAD no frequency). This variant has not been reported in the literature in individuals affected with MYH7-related conditions. In summary, the available evidence is currently insufficient to determine the role of this variant in disease. Therefore, it has been classified as a Variant of Uncertain Significance.